The following is an entry in ClinVar:

NM_014915.3(ANKRD26):c.2356C>T (p.Arg786Ter)

Gene: ANKRD26 (ankyrin repeat domain 26; minus strand). Cytogenetic location: 10p12.1.
Variant type: single nucleotide variant.
Coding change: c.2356C>T on transcript NM_014915.3 (MANE Select); coding-DNA position 2356, C replaced by T.
Protein change: p.Arg786Ter; replaces arginine 786 with a stop codon.
Molecular consequence: nonsense.
Genome position (GRCh38, 1-based): chr10:27,039,984, G>A on the plus strand (C>T on the coding strand, the complement: ANKRD26 is on the minus strand). VCF-style: chr10-27039984-G-A. GRCh37 (hg19) VCF-style: chr10-27328913-G-A.
Other names: c.2353C>T, p.Arg785Ter (NM_001256053.2); short protein forms R785*, R786*.
Identifiers: ClinVar variation 1703797 (VCV001703797.2), dbSNP rs189856879, ClinGen allele CA204451654.

ClinVar aggregate classification (germline): Pathogenic (1 of 4 stars; one submission).

Conditions:
Thrombocytopenia 2 (THC2). Also called: ANKRD26-Related Thrombocytopenia. Identifiers: Orphanet 268322, MedGen C1861185, MONDO:0008555, OMIM 188000.

Allele frequency attached by ClinVar (database versions not stated): TOPMed below 0.00001; gnomAD 0.00001; gnomAD exomes 0.00001; 1000 Genomes Project 30x 0.00016; 1000 Genomes Project 0.00020.
gnomAD v4.1: 16 of 1,613,474 alleles (0.00099%); highest among the groups gnomAD compares: East Asian, 0.0022%; no homozygotes.

Submission:

ISTH-SSC Genomics in Thrombosis and Hemostasis, KU Leuven, Center for Molecular and Vascular Biology
Classification: Pathogenic for Thrombocytopenia 2. Review status: criteria provided, single submitter. Criteria: ACMG Guidelines, 2015. Collection method: clinical testing. Allele origin: germline. Affected: yes. Observed: 1 heterozygote.
Comment: Submitted to GoldVariant by Jose María Bastida and José Rivera; Grupo Español de Alteraciones Plaquetarias Congénitas (GEAPC)